The following is an entry in ClinVar:

ClinVar aggregate classification (germline): Uncertain significance (1 of 4 stars; one submission).

Submission:

GeneDx
Classification: Uncertain significance. Last evaluated: 2025-09-05. Review status: criteria provided, single submitter. Criteria: GeneDx Variant Classification Process June 2021. Collection method: clinical testing. Allele origin: germline. Affected: yes.
Comment: Not observed at significant frequency in large population cohorts (gnomAD); In silico analysis supports that this missense variant has a deleterious effect on protein structure/function; Has not been previously published as pathogenic or benign to our knowledge

NM_015057.5(MYCBP2):c.13889T>C (p.Ile4630Thr)

Gene: MYCBP2 (MYC binding protein 2; minus strand). Cytogenetic location: 13q22.3.
Variant type: single nucleotide variant.
Coding change: c.13889T>C on transcript NM_015057.5 (MANE Select); coding-DNA position 13889, T replaced by C.
Protein change: p.Ile4630Thr; replaces isoleucine 4630 with threonine.
Molecular consequence: missense variant.
Genome position (GRCh38, 1-based): chr13:77,051,029, A>G on the plus strand (T>C on the coding strand, the complement: MYCBP2 is on the minus strand). VCF-style: chr13-77051029-A-G. GRCh37 (hg19) VCF-style: chr13-77625164-A-G.
Other names: short protein forms I4630T.
Identifiers: ClinVar variation 3600682 (VCV003600682.2).